The following is an entry in ClinVar:

ClinVar aggregate classification (germline): Likely benign (0 of 4 stars; one submission).

Conditions:
MEI1-related disorder. Also called: MEI1-related condition.

Allele frequency attached by ClinVar (database versions not stated): gnomAD 0.00021; TOPMed 0.00030; 1000 Genomes Project 30x 0.00031; 1000 Genomes Project 0.00040; ExAC 0.00082.
gnomAD v4.1: 164 of 1,588,292 alleles (0.01%); highest among the groups gnomAD compares: East Asian, 0.25%; 1 homozygote.

Submission:

PreventionGenetics, part of Exact Sciences
Classification: Likely benign for MEI1-related condition. Last evaluated: 2019-02-22. Review status: no assertion criteria provided. Collection method: clinical testing. Allele origin: germline.
Comment: This variant is classified as likely benign based on ACMG/AMP sequence variant interpretation guidelines (Richards et al. 2015 PMID: 25741868, with internal and published modifications).

NM_152513.4(MEI1):c.529+9C>T

Gene: MEI1 (meiotic double-stranded break formation protein 1; plus strand). Cytogenetic location: 22q13.2.
Variant type: single nucleotide variant.
Coding change: c.529+9C>T on transcript NM_152513.4 (MANE Select); 9 bases into the intron after coding-DNA position 529, C replaced by T.
Molecular consequence: intron variant.
Genome position (GRCh38, 1-based): chr22:41,716,155, C>T. VCF-style: chr22-41716155-C-T. GRCh37 (hg19) VCF-style: chr22-42112159-C-T.
Identifiers: ClinVar variation 3050506 (VCV003050506.2), dbSNP rs367633748, ClinGen allele CA10259893.
Genomic context (GRCh38, chr22:41,716,155, plus strand): 5'-AAGTTGGTGGATGCCATCCCTGCTCTGGCAGACGAGCTTGTAATGGAGCATGGTGAGTGA[C>T]CTGTGGGAGGAGCTGCCACTACCCTTTTACCTGCTTTTATCATACTGCCATTTGGGTGTC-3'